The following is an entry in ClinVar:

NM_024408.4(NOTCH2):c.6910A>C (p.Ile2304Leu)

Gene: NOTCH2 (notch receptor 2; minus strand). Cytogenetic location: 1p12.
Variant type: single nucleotide variant.
Coding change: c.6910A>C on transcript NM_024408.4 (MANE Select); coding-DNA position 6910, A replaced by C.
Protein change: p.Ile2304Leu; replaces isoleucine 2304 with leucine.
Molecular consequence: missense variant.
Genome position (GRCh38, 1-based): chr1:119,915,812, T>G on the plus strand (A>C on the coding strand, the complement: NOTCH2 is on the minus strand). VCF-style: chr1-119915812-T-G. GRCh37 (hg19) VCF-style: chr1-120458435-T-G.
Other names: short protein forms I2304L.
Identifiers: ClinVar variation 1519462 (VCV001519462.6), dbSNP rs1649046175, ClinGen allele CA341874832.

ClinVar aggregate classification (germline): Uncertain significance (1 of 4 stars; one submission).

Conditions:
Hajdu-Cheney syndrome (HJCYS). Also called: SERPENTINE FIBULA-POLYCYSTIC KIDNEY SYNDROME; Acroosteolysis dominant type; ACROOSTEOLYSIS WITH OSTEOPOROSIS AND CHANGES IN SKULL AND MANDIBLE. Identifiers: Orphanet 955, MedGen C0917715, MONDO:0007057, OMIM 102500.

Submission:

Labcorp Genetics (formerly Invitae), Labcorp
Classification: Uncertain significance for Hajdu-Cheney syndrome. Last evaluated: 2025-05-14. Review status: criteria provided, single submitter. Criteria: Invitae Variant Classification Sherloc (09022015). Collection method: clinical testing. Allele origin: germline.
Comment: This sequence change replaces isoleucine, which is neutral and non-polar, with leucine, which is neutral and non-polar, at codon 2304 of the NOTCH2 protein (p.Ile2304Leu). This variant is not present in population databases (gnomAD no frequency). This variant has not been reported in the literature in individuals affected with NOTCH2-related conditions. ClinVar contains an entry for this variant (Variation ID: 1519462). Invitae Evidence Modeling of protein sequence and biophysical properties (such as structural, functional, and spatial information, amino acid conservation, physicochemical variation, residue mobility, and thermodynamic stability) indicates that this missense variant is not expected to disrupt NOTCH2 protein function with a negative predictive value of 80%. In summary, the available evidence is currently insufficient to determine the role of this variant in disease. Therefore, it has been classified as a Variant of Uncertain Significance.